The following is an entry in ClinVar:

NM_001042681.2(RERE):c.748T>G (p.Phe250Val)

Gene: RERE (arginine-glutamic acid dipeptide repeats; minus strand). Cytogenetic location: 1p36.23.
Variant type: single nucleotide variant.
Coding change: c.748T>G on transcript NM_001042681.2 (MANE Select); coding-DNA position 748, T replaced by G.
Protein change: p.Phe250Val; replaces phenylalanine 250 with valine.
Molecular consequence: missense variant.
Genome position (GRCh38, 1-based): chr1:8,541,296, A>C on the plus strand (T>G on the coding strand, the complement: RERE is on the minus strand). VCF-style: chr1-8541296-A-C. GRCh37 (hg19) VCF-style: chr1-8601355-A-C.
Other names: c.748T>G, p.Phe250Val (NM_012102.4); short protein forms F250V.
Identifiers: ClinVar variation 3365769 (VCV003365769.1).

ClinVar aggregate classification (germline): Uncertain significance (1 of 4 stars; one submission).

Submission:

GeneDx
Classification: Uncertain significance. Last evaluated: 2023-12-13. Review status: criteria provided, single submitter. Criteria: GeneDx Variant Classification Process June 2021. Collection method: clinical testing. Allele origin: germline. Affected: yes.
Comment: Not observed at significant frequency in large population cohorts (gnomAD); In silico analysis supports that this missense variant has a deleterious effect on protein structure/function; Has not been previously published as pathogenic or benign to our knowledge